The following is an entry in ClinVar:

NM_001367561.1(DOCK7):c.5266G>A (p.Val1756Ile)

Gene: DOCK7 (dedicator of cytokinesis 7; minus strand). Cytogenetic location: 1p31.3.
Variant type: single nucleotide variant.
Coding change: c.5266G>A on transcript NM_001367561.1 (MANE Select); coding-DNA position 5266, G replaced by A.
Protein change: p.Val1756Ile; replaces valine 1756 with isoleucine.
Molecular consequence: missense variant.
Genome position (GRCh38, 1-based): chr1:62,492,799, C>T on the plus strand (G>A on the coding strand, the complement: DOCK7 is on the minus strand). VCF-style: chr1-62492799-C-T. GRCh37 (hg19) VCF-style: chr1-62958470-C-T.
Other names: p.Val1747Ile; c.5239G>A, p.Val1747Ile (NM_001271999.2, NM_001330614.2); c.5146G>A, p.Val1716Ile (NM_001272000.2, NM_001272001.2); c.5173G>A, p.Val1725Ile (NM_033407.4); c.5239G>A (NM_001271999.1); short protein forms V1716I, V1725I, V1747I, V1756I.
Identifiers: ClinVar variation 2414809 (VCV002414809.8), dbSNP rs749567549, ClinGen allele CA885504.

ClinVar aggregate classification (germline): Uncertain significance. Review status: criteria provided, multiple submitters, no conflicts (2 of 4 stars). 2 submissions from 2 submitters: Uncertain significance (2). Last evaluated 2022-09-29.

Conditions:
Developmental and epileptic encephalopathy, 23 (DEE23). Also called: Epileptic encephalopathy, early infantile, 23. Identifiers: Orphanet 411986, MedGen C4014492, MONDO:0014371, OMIM 615859.

Allele frequency attached by ClinVar (database versions not stated): ExAC 0.00001.
gnomAD v4.1: 6 of 1,613,776 alleles (0.00037%); highest among the groups gnomAD compares: Admixed American, 0.0067%; no homozygotes.

Submissions (2):

Mayo Clinic Laboratories, Mayo Clinic
Classification: Uncertain significance. Last evaluated: 2022-09-29. Review status: criteria provided, single submitter. Criteria: ACMG Guidelines, 2015. Collection method: clinical testing. Allele origin: germline. Observed: 1 variant allele.
Comment: BP4, PP2, PM2

Labcorp Genetics (formerly Invitae), Labcorp
Classification: Uncertain significance for Developmental and epileptic encephalopathy, 23. Last evaluated: 2022-04-22. Review status: criteria provided, single submitter. Criteria: Invitae Variant Classification Sherloc (09022015). Collection method: clinical testing. Allele origin: germline.
Comment: In summary, the available evidence is currently insufficient to determine the role of this variant in disease. Therefore, it has been classified as a Variant of Uncertain Significance. Algorithms developed to predict the effect of missense changes on protein structure and function are either unavailable or do not agree on the potential impact of this missense change (SIFT: "Tolerated"; PolyPhen-2: "Possibly Damaging"; Align-GVGD: "Class C0"). This variant has not been reported in the literature in individuals affected with DOCK7-related conditions. This variant is present in population databases (rs749567549, gnomAD 0.01%). This sequence change replaces valine, which is neutral and non-polar, with isoleucine, which is neutral and non-polar, at codon 1747 of the DOCK7 protein (p.Val1747Ile).